The following is an entry in ClinVar:

ClinVar aggregate classification (germline): Uncertain significance. Review status: criteria provided, multiple submitters, no conflicts (2 of 4 stars). 2 submissions from 2 submitters: Uncertain significance (2). Last evaluated 2026-04-08.

Conditions:
Cardiovascular phenotype. Identifiers: MedGen CN230736.
RYR2-related disorder. Also called: RYR2-related condition.

gnomAD v4.1: 1 of 1,613,884 alleles (0.000062%); highest among the groups gnomAD compares: Non-Finnish European, 0.000085%; no homozygotes.

Submissions (2):

Ambry Genetics
Classification: Uncertain significance for Cardiovascular phenotype. Last evaluated: 2026-04-08. Review status: criteria provided, single submitter. Criteria: Ambry Variant Classification Scheme 2023. Collection method: clinical testing. Allele origin: germline.

PreventionGenetics, part of Exact Sciences
Classification: Uncertain significance for RYR2-related condition. Last evaluated: 2024-11-06. Review status: criteria provided, single submitter. Criteria: ACMG Guidelines, 2015. Collection method: clinical testing. Allele origin: germline.
Comment: The RYR2 c.7537G>A variant is predicted to result in the amino acid substitution p.Ala2513Thr. To our knowledge, this variant has not been reported in the literature or in a large population database (gnomAD), indicating this variant is rare. At this time, the clinical significance of this variant is uncertain due to the absence of conclusive functional and genetic evidence.

NM_001035.3(RYR2):c.7537G>A (p.Ala2513Thr)

Gene: RYR2 (ryanodine receptor 2; plus strand). Cytogenetic location: 1q43.
Variant type: single nucleotide variant.
Coding change: c.7537G>A on transcript NM_001035.3 (MANE Select); coding-DNA position 7537, G replaced by A.
Protein change: p.Ala2513Thr; replaces alanine 2513 with threonine.
Molecular consequence: missense variant.
Genome position (GRCh38, 1-based): chr1:237,649,901, G>A. VCF-style: chr1-237649901-G-A. GRCh37 (hg19) VCF-style: chr1-237813201-G-A.
Other names: short protein forms A2513T.
Identifiers: ClinVar variation 4863742 (VCV004863742.2).
Genomic context (GRCh38, chr1:237,649,901, plus strand): 5'-ACACAAATGGCCTTCTACTCTCTGATTCTTTTTCAGGCAGCTTTGAGTGCTACAGACATG[G>A]CCTTGGCCCTCAATCGGTACCTTTGCACAGCCGTCTTGCCATTGTTAACAAGATGTGCTC-3'
Protein context (NP_001026.2, residues 2503-2523): DTAALSATDM[Ala2513Thr]LALNRYLCTA